The following is an entry in ClinVar:

NM_001197104.2(KMT2A):c.9254A>G (p.Asn3085Ser)

Gene: KMT2A (lysine methyltransferase 2A; plus strand). Cytogenetic location: 11q23.3.
Variant type: single nucleotide variant.
Coding change: c.9254A>G on transcript NM_001197104.2 (MANE Select); coding-DNA position 9254, A replaced by G.
Protein change: p.Asn3085Ser; replaces asparagine 3085 with serine.
Molecular consequence: missense variant.
Genome position (GRCh38, 1-based): chr11:118,505,146, A>G. VCF-style: chr11-118505146-A-G. GRCh37 (hg19) VCF-style: chr11-118375861-A-G.
Other names: c.9344A>G, p.Asn3115Ser (NM_001412597.1); c.9245A>G, p.Asn3082Ser (NM_005933.4); short protein forms N3085S, N3082S, N3115S.
Identifiers: ClinVar variation 2842558 (VCV002842558.3), dbSNP rs2497017237, ClinGen allele CA382819422.
Genomic context (GRCh38, chr11:118,505,146, plus strand): 5'-CAGCTGTCCAGACCACTCCACCCCACCTGAAGCCAGCCACTGAGAAACTCATAGTTGTTA[A>G]CCAGAACATGCAGCCACTTTATGTTCTCCAAACTCTTCCAAATGGAGTGACCCAAAAAAT-3'
Protein context (NP_001184033.1, residues 3075-3095): KPATEKLIVV[Asn3085Ser]QNMQPLYVLQ

ClinVar aggregate classification (germline): Uncertain significance (1 of 4 stars; one submission).

Submission:

Labcorp Genetics (formerly Invitae), Labcorp
Classification: Uncertain significance. Last evaluated: 2023-03-03. Review status: criteria provided, single submitter. Criteria: Invitae Variant Classification Sherloc (09022015). Collection method: clinical testing. Allele origin: germline.
Comment: In summary, the available evidence is currently insufficient to determine the role of this variant in disease. Therefore, it has been classified as a Variant of Uncertain Significance. Advanced modeling of protein sequence and biophysical properties (such as structural, functional, and spatial information, amino acid conservation, physicochemical variation, residue mobility, and thermodynamic stability) has been performed at Invitae for this missense variant, however the output from this modeling did not meet the statistical confidence thresholds required to predict the impact of this variant on KMT2A protein function. This variant has not been reported in the literature in individuals affected with KMT2A-related conditions. This variant is not present in population databases (gnomAD no frequency). This sequence change replaces asparagine, which is neutral and polar, with serine, which is neutral and polar, at codon 3085 of the KMT2A protein (p.Asn3085Ser).